The following is an entry in ClinVar:

ClinVar aggregate classification (germline): Uncertain significance (1 of 4 stars; one submission).

Conditions:
Dystonia 34, myoclonic (DYT34). Identifiers: MedGen C5676907, MONDO:0030538, OMIM 619724.

Submission:

OLLIN Analises Genomicas, OLLIN
Classification: Uncertain significance for Dystonia 34, myoclonic. Last evaluated: 2026-08-06. Review status: criteria provided, single submitter. Criteria: ACMG Guidelines 2015 PMID 25741868. Collection method: clinical testing. Allele origin: germline. Inheritance: Autosomal dominant inheritance.
Comment: This missense variant, located in exon 1 (of 8), is absent from gnomAD and ClinVar and has not been identified in the literature. In silico analysis is inconclusive regarding the impact of this variant. According to the currently available evidence, this variant has been classified as uncertain significance (PM2_P).

NM_021614.4(KCNN2):c.248G>C (p.Gly83Ala)

Gene: KCNN2 (potassium calcium-activated channel subfamily N member 2; plus strand). Cytogenetic location: 5q22.3.
Variant type: single nucleotide variant.
Coding change: c.248G>C on transcript NM_021614.4 (MANE Select); coding-DNA position 248, G replaced by C.
Protein change: p.Gly83Ala; replaces glycine 83 with alanine.
Molecular consequence: missense variant. On other transcripts: non-coding transcript variant (1).
Genome position (GRCh38, 1-based): chr5:114,362,387, G>C. VCF-style: chr5-114362387-G-C. GRCh37 (hg19) VCF-style: chr5-113698084-G-C.
Other names: c.446G>C, p.Gly149Ala (NM_001372233.1); short protein forms G149A, G83A.
Identifiers: ClinVar variation 5002705 (VCV005002705.1).